The following is an entry in ClinVar:

ClinVar aggregate classification (germline): Conflicting classifications of pathogenicity. Review status: criteria provided, conflicting classifications (1 of 4 stars). 3 submissions from 3 submitters: Likely pathogenic (1); Uncertain significance (2). Last evaluated 2025-10-22.

Conditions:
Hereditary nonpolyposis colorectal neoplasms. Identifiers: MedGen C0009405, MeSH D003123.
Hereditary cancer-predisposing syndrome. Also called: Neoplastic Syndromes, Hereditary; Hereditary Cancer Syndrome; Tumor predisposition; Hereditary neoplastic syndrome. Identifiers: Orphanet 140162, MedGen C0027672, MeSH D009386, MONDO:0015356.
Lynch syndrome 5 (LYNCH5). Also called: Colorectal cancer, hereditary nonpolyposis, type 5; Hereditary non-polyposis colorectal cancer, type 5. Identifiers: Orphanet 144, MedGen C1833477, MONDO:0013710, OMIM 614350. Disease mechanism: loss of function.

Submissions (3):

University of Washington Department of Laboratory Medicine, University of Washington
Classification: Likely pathogenic for Lynch syndrome 5. Last evaluated: 2025-10-22. Review status: criteria provided, single submitter. Criteria: Shirts BH et al. (Am J Hum Genet 2018). Collection method: clinical testing. Allele origin: germline. Affected: yes.
Comment: We classify the MSH6 c.2876G>C (p.Arg959Pro) variant as likely pathogenic based on internal evidence. Tumor testing demonstrated loss of MSH6 protein expression by immunohistochemistry (IHC), consistent with abnormal mismatch repair (MMR) function. Somatic testing of the tumor revealed a second pathogenic MSH6 alteration, indicating biallelic inactivation of MSH6 and supporting application of PS3_supporting. The use of tumor molecular features and somatic evidence to inform germline variant classification has been described in the literature (Shirts et al., 2018. Genet Med. PMID: 29887214). The p.Arg959Pro substitution replaces a highly conserved arginine residue with proline, a change that introduces a substantial physicochemical difference and is predicted by multiple in silico algorithms (SIFT, PolyPhen-2, Align-GVGD) to be deleterious, supporting PP3. This variant is absent from large population databases, including gnomAD v4.0.0, meeting PM2_supporting. The patient’s tumor phenotype of endometrial cancer with isolated MSH6 loss by IHC is strongly associated with pathogenic germline variants in MSH6, providing PP4. Although this variant has not been previously reported in the literature, the concordance between germline and somatic findings, the functional impact inferred from in silico data and conservation, and the phenotypic consistency with MSH6-related Lynch syndrome together support a likely pathogenic classification.

Ambry Genetics
Classification: Uncertain significance for Hereditary cancer-predisposing syndrome. Last evaluated: 2025-07-17. Review status: criteria provided, single submitter. Criteria: Ambry Variant Classification Scheme 2023. Collection method: clinical testing. Allele origin: germline.
Comment: The p.R959P variant (also known as c.2876G>C), located in coding exon 4 of the MSH6 gene, results from a G to C substitution at nucleotide position 2876. The arginine at codon 959 is replaced by proline, an amino acid with dissimilar properties. This amino acid position is well conserved in available vertebrate species. In addition, this alteration is predicted to be deleterious by in silico analysis. Based on the available evidence, the clinical significance of this variant remains unclear.

Labcorp Genetics (formerly Invitae), Labcorp
Classification: Uncertain significance for Hereditary nonpolyposis colorectal neoplasms. Last evaluated: 2023-11-21. Review status: criteria provided, single submitter. Criteria: Invitae Variant Classification Sherloc (09022015). Collection method: clinical testing. Allele origin: germline.
Comment: This sequence change replaces arginine, which is basic and polar, with proline, which is neutral and non-polar, at codon 959 of the MSH6 protein (p.Arg959Pro). This variant is not present in population databases (gnomAD no frequency). This variant has not been reported in the literature in individuals affected with MSH6-related conditions. ClinVar contains an entry for this variant (Variation ID: 942773). Advanced modeling of protein sequence and biophysical properties (such as structural, functional, and spatial information, amino acid conservation, physicochemical variation, residue mobility, and thermodynamic stability) has been performed at Invitae for this missense variant, however the output from this modeling did not meet the statistical confidence thresholds required to predict the impact of this variant on MSH6 protein function. In summary, the available evidence is currently insufficient to determine the role of this variant in disease. Therefore, it has been classified as a Variant of Uncertain Significance.

NM_000179.3(MSH6):c.2876G>C (p.Arg959Pro)

Gene: MSH6 (mutS homolog 6; plus strand). Cytogenetic location: 2p16.3.
Variant type: single nucleotide variant.
Coding change: c.2876G>C on transcript NM_000179.3 (MANE Select); coding-DNA position 2876, G replaced by C.
Protein change: p.Arg959Pro; replaces arginine 959 with proline.
Molecular consequence: missense variant.
Genome position (GRCh38, 1-based): chr2:47,800,859, G>C. VCF-style: chr2-47800859-G-C. GRCh37 (hg19) VCF-style: chr2-48027998-G-C.
Other names: c.2486G>C, p.Arg829Pro (NM_001281492.2); c.1970G>C, p.Arg657Pro (NM_001281493.2, NM_001281494.2); short protein forms R657P, R959P, R829P.
Identifiers: ClinVar variation 942773 (VCV000942773.12), dbSNP rs757653982, ClinGen allele CA346756008.